The following is an entry in ClinVar:

NM_007294.4(BRCA1):c.2068A>T (p.Lys690Ter)

Gene: BRCA1 (BRCA1 DNA repair associated; minus strand). Cytogenetic location: 17q21.31.
Variant type: single nucleotide variant.
Coding change: c.2068A>T on transcript NM_007294.4 (MANE Select); coding-DNA position 2068, A replaced by T.
Protein change: p.Lys690Ter; replaces lysine 690 with a stop codon.
Molecular consequence: nonsense. On other transcripts: intron variant (137).
Genome position (GRCh38, 1-based): chr17:43,093,463, T>A on the plus strand (A>T on the coding strand, the complement: BRCA1 is on the minus strand). VCF-style: chr17-43093463-T-A. GRCh37 (hg19) VCF-style: chr17-41245480-T-A.
Other names: 2187A>T-Lys690ter; c.1867A>T, p.Lys623Ter (NM_001407862.1); c.1945A>T, p.Lys649Ter (NM_001407863.1, NM_001407939.1, NM_001407648.1 and 19 more transcripts); c.1855A>T, p.Lys619Ter (NM_001407894.1, NM_001407895.1, NM_001407896.1 and 9 more transcripts); c.1858A>T, p.Lys620Ter (NM_001407900.1, NM_001407902.1, NM_001407904.1 and 13 more transcripts); c.1804A>T, p.Lys602Ter (NM_001407920.1, NM_001407921.1, NM_001407922.1 and 9 more transcripts); c.1942A>T, p.Lys648Ter (NM_001407940.1, NM_001407941.1, NM_001407649.1 and 11 more transcripts); c.1927A>T, p.Lys643Ter (NM_001407942.1, NM_001407944.1, NM_001407945.1 and 29 more transcripts); and 41 more; short protein forms K690*, K643*, K563*, K578*, K601*, K649*, K562*, K579*.
Identifiers: ClinVar variation 266211 (VCV000266211.7), dbSNP rs587781448, ClinGen allele CA10589900.

ClinVar aggregate classification (germline): Pathogenic. Review status: reviewed by expert panel (3 of 4 stars). 2 submissions from 2 submitters: Pathogenic (1). 1 of the submissions does not count toward it. Last evaluated 2016-10-18.

Conditions:
Breast-ovarian cancer, familial, susceptibility to, 1 (BROVCA1). Also called: BRCA1 Hereditary Breast and Ovarian Cancer; OVARIAN CANCER, SUSCEPTIBILITY TO. Identifiers: Orphanet 145, MedGen C2676676, MONDO:0011450, OMIM 604370. Disease mechanism: loss of function.

Submissions (2):

Evidence-based Network for the Interpretation of Germline Mutant Alleles (ENIGMA)
Classification: Pathogenic for Breast-ovarian cancer, familial, susceptibility to, 1. Last evaluated: 2016-10-18. Review status: reviewed by expert panel. Criteria: ENIGMA BRCA1/2 Classification Criteria (2015). Collection method: curation. Allele origin: germline.
Comment: Variant allele predicted to encode a truncated non-functional protein.

Consortium of Investigators of Modifiers of BRCA1/2 (CIMBA), c/o University of Cambridge
Classification: Pathogenic for Breast-ovarian cancer, familial, susceptibility to, 1. Last evaluated: 2015-10-02. Review status: criteria provided, single submitter. Criteria: CIMBA Mutation Classification guidelines May 2016. Collection method: clinical testing. Allele origin: germline. Not counted in ClinVar's aggregate classification.